The following is an entry in ClinVar:

NM_181783.4(TMTC3):c.2575G>A (p.Val859Ile)

Gene: TMTC3 (transmembrane O-mannosyltransferase targeting cadherins 3; plus strand). Cytogenetic location: 12q21.32.
Variant type: single nucleotide variant.
Coding change: c.2575G>A on transcript NM_181783.4 (MANE Select); coding-DNA position 2575, G replaced by A.
Protein change: p.Val859Ile; replaces valine 859 with isoleucine.
Molecular consequence: missense variant. On other transcripts: non-coding transcript variant (1).
Genome position (GRCh38, 1-based): chr12:88,195,479, G>A. VCF-style: chr12-88195479-G-A. GRCh37 (hg19) VCF-style: chr12-88589256-G-A.
Other names: c.2395G>A, p.Val799Ile (NM_001366574.1); c.2356G>A, p.Val786Ile (NM_001366579.1); c.2308G>A, p.Val770Ile (NM_001366580.1); c.1882G>A, p.Val628Ile (NM_001366583.1); short protein forms V786I, V859I, V628I, V770I, V799I.
Identifiers: ClinVar variation 779531 (VCV000779531.16), dbSNP rs34623199, ClinGen allele CA6713496.
Genomic context (GRCh38, chr12:88,195,479, plus strand): 5'-AAGAAAATTCCAACTGAAAGTGTAAAAGAAATTAGAGGTGAATCCAGACAAACACAAATA[G>A]TAAAAACAAGTGATAATAAAAGTCAGTCTAAATCCAACAAACAATTAGGAAAAAATGGAG-3'
Protein context (NP_861448.2, residues 849-869): IRGESRQTQI[Val859Ile]KTSDNKSQSK

ClinVar aggregate classification (germline): Benign. Review status: criteria provided, multiple submitters, no conflicts (2 of 4 stars). 4 submissions from 4 submitters: Benign (3). 1 of the submissions does not count toward it. Last evaluated 2026-01-26.

Conditions:
TMTC3-related disorder. Also called: TMTC3-related condition.

Allele frequency attached by ClinVar (database versions not stated): gnomAD exomes 0.00328 and 0.00662; ExAC 0.00759; gnomAD 0.02187 and 0.02280; ESP Exome Variant Server 0.02246; TOPMed 0.02336; 1000 Genomes Project 30x 0.02764; 1000 Genomes Project 0.02975.

Submissions (4):

Labcorp Genetics (formerly Invitae), Labcorp
Classification: Benign. Last evaluated: 2026-01-26. Review status: criteria provided, single submitter. Criteria: Invitae Variant Classification Sherloc (09022015). Collection method: clinical testing. Allele origin: germline.

GeneDx
Classification: Benign. Last evaluated: 2021-05-05. Review status: criteria provided, single submitter. Criteria: GeneDx Variant Classification Process June 2021. Collection method: clinical testing. Allele origin: germline. Affected: yes.

Breakthrough Genomics
Classification: Benign. Review status: criteria provided, single submitter. Criteria: ACMG Guidelines, 2015. Collection method: not provided. Allele origin: germline. Inheritance: Autosomal recessive inheritance. Affected: yes.

PreventionGenetics, part of Exact Sciences
Classification: Benign for TMTC3-related condition. Last evaluated: 2019-08-28. Review status: no assertion criteria provided. Collection method: clinical testing. Allele origin: germline. Not counted in ClinVar's aggregate classification.
Comment: This variant is classified as benign based on ACMG/AMP sequence variant interpretation guidelines (Richards et al. 2015 PMID: 25741868, with internal and published modifications).